The following is an entry in ClinVar:

NM_001032.5(RPS29):c.*5T>G

Gene: RPS29 (ribosomal protein S29; minus strand). Cytogenetic location: 14q21.3.
Variant type: single nucleotide variant.
Coding change: c.*5T>G on transcript NM_001032.5 (MANE Select); 5 bases downstream of the stop codon, T replaced by G.
Molecular consequence: 3 prime UTR variant. On other transcripts: intron variant (1).
Genome position (GRCh38, 1-based): chr14:49,583,662, A>C on the plus strand (T>G on the coding strand, the complement: RPS29 is on the minus strand). VCF-style: chr14-49583662-A-C. GRCh37 (hg19) VCF-style: chr14-50050380-A-C.
Other names: c.*5T>G (NM_001351375.2); c.162+2288T>G (NM_001030001.4).
Identifiers: ClinVar variation 3053910 (VCV003053910.2), dbSNP rs191326825, ClinGen allele CA7171877.

ClinVar aggregate classification (germline): Likely benign (0 of 4 stars; one submission).

Conditions:
RPS29-related disorder. Also called: RPS29-related condition.

Allele frequency attached by ClinVar (database versions not stated): gnomAD exomes 0.00001; ExAC 0.00009; TOPMed 0.00022; gnomAD 0.00026; ESP Exome Variant Server 0.00031; 1000 Genomes Project 0.00060; 1000 Genomes Project 30x 0.00078.
gnomAD v4.1: 62 of 1,569,134 alleles (0.004%); highest among the groups gnomAD compares: African/African-American, 0.071%; no homozygotes.

Submission:

PreventionGenetics, part of Exact Sciences
Classification: Likely benign for RPS29-related condition. Last evaluated: 2022-07-05. Review status: no assertion criteria provided. Collection method: clinical testing. Allele origin: germline.
Comment: This variant is classified as likely benign based on ACMG/AMP sequence variant interpretation guidelines (Richards et al. 2015 PMID: 25741868, with internal and published modifications).